The following is an entry in ClinVar:

NM_005629.4(SLC6A8):c.1017-38C>G

Gene: SLC6A8 (solute carrier family 6 member 8; plus strand). Cytogenetic location: Xq28.
Variant type: single nucleotide variant.
Coding change: c.1017-38C>G on transcript NM_005629.4 (MANE Select); 38 bases into the intron before coding-DNA position 1017, C replaced by G.
Molecular consequence: intron variant.
Genome position (GRCh38, 1-based): chrX:153,693,424, C>G. VCF-style: chrX-153693424-C-G. GRCh37 (hg19) VCF-style: chrX-152958879-C-G.
Other names: c.1016+58C>G (NM_001142805.2); c.672-38C>G (NM_001142806.1).
Identifiers: ClinVar variation 3044199 (VCV003044199.2), dbSNP rs182709845, ClinGen allele CA10549399.
Genomic context (GRCh38, chrX:153,693,424, plus strand): 5'-CAAGTAAGCACCGCCGCCCTGCCACCCGTGCCCTGTCCTGCCCTGCCCCGCCCTGCCCAG[C>G]AGCCTAACCCATCCACTCTGGCCCCTCCACCCCTCAGGGACGCCATCATCCTGGCTCTCA-3'

ClinVar aggregate classification (germline): Benign (0 of 4 stars; one submission).

Conditions:
SLC6A8-related disorder. Also called: SLC6A8-related condition.

Allele frequency attached by ClinVar (database versions not stated): gnomAD exomes 0.00095; ExAC 0.00374; gnomAD 0.01043; 1000 Genomes Project 0.01192; TOPMed 0.01220; 1000 Genomes Project 30x 0.01228; ESP Exome Variant Server 0.01439.
gnomAD v4.1: 2,285 of 1,208,582 alleles (0.19%); highest among the groups gnomAD compares: African/African-American, 3.5%; 33 homozygotes.

Submission:

PreventionGenetics, part of Exact Sciences
Classification: Benign for SLC6A8-related condition. Last evaluated: 2019-07-01. Review status: no assertion criteria provided. Collection method: clinical testing. Allele origin: germline.
Comment: This variant is classified as benign based on ACMG/AMP sequence variant interpretation guidelines (Richards et al. 2015 PMID: 25741868, with internal and published modifications).